The following is an entry in ClinVar:

ClinVar aggregate classification (germline): Conflicting classifications of pathogenicity. Review status: criteria provided, conflicting classifications (1 of 4 stars). 2 submissions from 2 submitters: Pathogenic (1); Uncertain significance (1). Last evaluated 2022-08-12.

Conditions:
Anemia, nonspherocytic hemolytic, due to G6PD deficiency (CNSHA1). Also called: ANEMIA, CONGENITAL, NONSPHEROCYTIC HEMOLYTIC, 1; Favism, susceptibility to; Class I glucose-6-phosphate dehydrogenase deficiency; Hemolytic anemia due to G6PD deficiency. Identifiers: Orphanet 466026, MedGen C2720289, MONDO:0010480, OMIM 300908.

Submissions (2):

Dunham Lab, University of Washington
Classification: Pathogenic for Anemia, nonspherocytic hemolytic, due to G6PD deficiency. Last evaluated: 2022-08-12. Review status: criteria provided, single submitter. Criteria: Bayesian ACMG Guidelines, 2018. Collection method: curation. Allele origin: unknown. Affected: yes.
Comment: Decreased activity in red blood cells (1%) (PS3). Predicted to be damaging or deleterious by multiple computational algorithms (PP3). Within dimer interface (PM1). Not found in gnomAD (PM2). Post_P 0.994 (odds of pathogenicity 1517, Prior_P 0.1).

Labcorp Genetics (formerly Invitae), Labcorp
Classification: Uncertain significance for Anemia, nonspherocytic hemolytic, due to G6PD deficiency. Last evaluated: 2016-12-13. Review status: criteria provided, single submitter. Criteria: Invitae Variant Classification Sherloc (09022015). Collection method: clinical testing. Allele origin: germline.
Comment: This sequence change replaces proline with leucine at codon 396 of the G6PD protein (p.Pro396Leu). The proline residue is highly conserved and there is a moderate physicochemical difference between proline and leucine. This variant is not present in population databases (ExAC no frequency). This variant has been reported in 2 individuals affected with chronic hemolytic anemia with evidence of segregation in one of the families (PMID: 7959695, Invitae). In addition, a different missense substitution at this codon has been reported de novo in an individual affected with G6PD-deficiency (PMID:26275698). One experimental study has shown that heterozygous females had lower levels of mutant mRNA with this variant as compared to the wild-type mRNA in blood cells, which might indicate a preferential survival of cells where the X inactivation is acting on the mutated chromosome (PMID: 8808605). In summary, this variant is a rare missense change that has been reported in affected individuals and suggested to affect blood cell survival. Additional genetic and functional data are needed to further substantiate the pathogenicity this variant. Therefore, it has been classified as a Variant of Uncertain Significance.

Literature cited by the submitters: PubMed 7959695 (cited by Dunham Lab, University of Washington); PubMed 28028996 (cited by Dunham Lab, University of Washington); PubMed 31294066 (cited by Dunham Lab, University of Washington).

NM_001360016.2(G6PD):c.1187C>T (p.Pro396Leu)

Gene: G6PD (glucose-6-phosphate dehydrogenase; minus strand). Cytogenetic location: Xq28.
Variant type: single nucleotide variant.
Coding change: c.1187C>T on transcript NM_001360016.2 (MANE Select); coding-DNA position 1187, C replaced by T.
Protein change: p.Pro396Leu; replaces proline 396 with leucine.
Molecular consequence: missense variant.
Genome position (GRCh38, 1-based): chrX:154,532,667, G>A on the plus strand (C>T on the coding strand, the complement: G6PD is on the minus strand). VCF-style: chrX-154532667-G-A. GRCh37 (hg19) VCF-style: chrX-153760882-G-A.
Other names: G6PD Bari; c.1277C>T, p.Pro426Leu (NM_000402.4); c.1187C>T, p.Pro396Leu (NM_001042351.3); short protein forms P426L, P396L.
Identifiers: ClinVar variation 470161 (VCV000470161.3), dbSNP rs1557229683, ClinGen allele CA415234032.
Genomic context (GRCh38, chrX:154,532,667, plus strand): 5'-TCGGGGTTGAAGAACATGCCCGGCTTCTTGGTCATCATCTTGGTGTACACGGCCTCGTTG[G>A]GCTGCACGCGGATCACCAGCTCGTTGCGCTTGCACTGCTGGTGGAAGATGTCGCCGGCCA-3'
Protein context (NP_001346945.1, residues 386-406): KRNELVIRVQ[Pro396Leu]NEAVYTKMMT